The following is an entry in ClinVar:

ClinVar aggregate classification (germline): Benign (1 of 4 stars; one submission).

Allele frequency attached by ClinVar (database versions not stated): TOPMed 0.02081; gnomAD 0.02159 and 0.02220; 1000 Genomes Project 30x 0.02936; 1000 Genomes Project 0.03095.
gnomAD v4.1: 3,385 of 152,154 alleles (2.2%); highest among the groups gnomAD compares: East Asian, 9.5%; 68 homozygotes.

Submission:

GeneDx
Classification: Benign. Last evaluated: 2018-06-19. Review status: criteria provided, single submitter. Criteria: GeneDx Variant Classification (06012015). Collection method: clinical testing. Allele origin: germline. Affected: yes.
Comment: This variant is considered likely benign or benign based on one or more of the following criteria: it is a conservative change, it occurs at a poorly conserved position in the protein, it is predicted to be benign by multiple in silico algorithms, and/or has population frequency not consistent with disease.

NM_001267550.2(TTN):c.40877-243T>C

Gene: TTN (titin; minus strand). Cytogenetic location: 2q31.2.
Variant type: single nucleotide variant.
Coding change: c.40877-243T>C on transcript NM_001267550.2 (MANE Select); 243 bases into the intron before coding-DNA position 40877, T replaced by C.
Molecular consequence: intron variant.
Genome position (GRCh38, 1-based): chr2:178,637,662, A>G on the plus strand (T>C on the coding strand, the complement: TTN is on the minus strand). VCF-style: chr2-178637662-A-G. GRCh37 (hg19) VCF-style: chr2-179502389-A-G.
Other names: c.13682-243T>C (NM_003319.4); c.14258-243T>C (NM_133437.4); c.14057-243T>C (NM_133432.3); c.33173-243T>C (NM_133378.4); c.35954-243T>C (NM_001256850.1).
Identifiers: ClinVar variation 672715 (VCV000672715.1), dbSNP rs2562843, ClinGen allele CA15161227.
Genomic context (GRCh38, chr2:178,637,662, plus strand): 5'-GCTCAAGCTAAACTGCCAACATATTTAGGATTAACAACTTCTTTCAGCAAGTGCCTTATT[A>G]TCTTCCCATTTTTGGAAGGCTTACTGTTGCCTTGTGAGGAAAAGTTTTGCTCCTGCCTAG-3'